The following is an entry in ClinVar:

NM_004380.3(CREBBP):c.4333C>T (p.Leu1445Phe)

Gene: CREBBP (CREB binding lysine acetyltransferase; minus strand). Cytogenetic location: 16p13.3.
Variant type: single nucleotide variant.
Coding change: c.4333C>T on transcript NM_004380.3 (MANE Select); coding-DNA position 4333, C replaced by T.
Protein change: p.Leu1445Phe; replaces leucine 1445 with phenylalanine.
Molecular consequence: missense variant.
Genome position (GRCh38, 1-based): chr16:3,738,620, G>A on the plus strand (C>T on the coding strand, the complement: CREBBP is on the minus strand). VCF-style: chr16-3738620-G-A. GRCh37 (hg19) VCF-style: chr16-3788621-G-A.
Other names: c.4219C>T, p.Leu1407Phe (NM_001079846.1); short protein forms L1407F, L1445F.
Identifiers: ClinVar variation 4747487 (VCV004747487.1).

ClinVar aggregate classification (germline): Uncertain significance (1 of 4 stars; one submission).

Conditions:
Rubinstein-Taybi syndrome (RSTS). Identifiers: Orphanet 783, MedGen C0035934, MONDO:0019188.

Submission:

Labcorp Genetics (formerly Invitae), Labcorp
Classification: Uncertain significance for Rubinstein-Taybi syndrome. Last evaluated: 2025-03-12. Review status: criteria provided, single submitter. Criteria: Invitae Variant Classification Sherloc (09022015). Collection method: clinical testing. Allele origin: germline.
Comment: This sequence change replaces leucine, which is neutral and non-polar, with phenylalanine, which is neutral and non-polar, at codon 1445 of the CREBBP protein (p.Leu1445Phe). This variant is not present in population databases (gnomAD no frequency). This variant has not been reported in the literature in individuals affected with CREBBP-related conditions. Invitae Evidence Modeling of protein sequence and biophysical properties (such as structural, functional, and spatial information, amino acid conservation, physicochemical variation, residue mobility, and thermodynamic stability) indicates that this missense variant is not expected to disrupt CREBBP protein function with a negative predictive value of 95%. In summary, the available evidence is currently insufficient to determine the role of this variant in disease. Therefore, it has been classified as a Variant of Uncertain Significance.